The following is an entry in ClinVar:

NM_133379.5(TTN):c.11225del (p.Leu3742fs)

Gene: TTN (titin; minus strand). Cytogenetic location: 2q31.2.
Variant type: Deletion.
Coding change: c.11225del on transcript NM_133379.5; coding-DNA position 11225, one base deleted (T; older notation c.11225delT).
Protein change: p.Leu3742fs; shifts the reading frame from leucine 3742.
Molecular consequence: frameshift variant. On other transcripts: intron variant (6).
Genome position (GRCh38, 1-based): chr2:178,751,175, A deleted on the plus strand (T on the coding strand, the reverse complement: TTN is on the minus strand). VCF-style (leftmost placement, unchanged base first): chr2-178751174-CA-C. GRCh37 (hg19) VCF-style: chr2-179615901-CA-C.
Other names: c.10222+1949del (NM_003319.4); c.10798+1949del (NM_133437.4); c.10597+1949del (NM_133432.3); c.10360+1949del (NM_133378.4, NM_001256850.1); c.11311+1949del (NM_001267550.2); short protein forms L3742fs.
Identifiers: ClinVar variation 166278 (VCV000166278.6), dbSNP rs727503670, ClinGen allele CA179151.

ClinVar aggregate classification (germline): Uncertain significance (1 of 4 stars; one submission).

Allele frequency attached by ClinVar (database versions not stated): gnomAD below 0.00001 and 0.00003; gnomAD exomes 0.00006 and 0.00010; ExAC 0.00013.

Submission:

Laboratory for Molecular Medicine, Mass General Brigham Personalized Medicine
Classification: Uncertain significance. Last evaluated: 2022-11-03. Review status: criteria provided, single submitter. Criteria: ACMG Guidelines, 2015. Collection method: clinical testing. Allele origin: germline.
Comment: The p.Leu3742fs variant in TTN has not been previously reported in individuals with cardiomyopathy. Data from large population studies is insufficient to assess the frequency of this variant. This variant is predicted to cause a frameshift, which alters the protein’s amino acid sequence beginning at position 3742 and lead to a premature termination codon 7 amino acids downstream. This variant is located in the last exon of an alternative transcript (Novex-3) and is expected to result in a truncated protein. Although truncating variants in the TTN gene are common in individuals with DCM (Herman 2012, Pugh 2014), the function of the Novex-3 transcript is unclear. In summary, the clinical significance of the Leu3742fs variant is uncertain.